The following is an entry in ClinVar:

NM_016592.5(GNAS):c.511C>T (p.Pro171Ser)

Genes: GNAS (GNAS complex locus; plus strand), GNAS-AS1 (GNAS antisense RNA 1; minus strand). Cytogenetic location: 20q13.32.
Variant type: single nucleotide variant.
Coding change: c.511C>T on transcript NM_016592.5 (MANE Plus Clinical); coding-DNA position 511, C replaced by T.
Protein change: p.Pro171Ser; replaces proline 171 with serine.
Molecular consequence: missense variant. On other transcripts: 5 prime UTR variant (1).
Genome position (GRCh38, 1-based): chr20:58,840,617, C>T. VCF-style: chr20-58840617-C-T. GRCh37 (hg19) VCF-style: chr20-57415672-C-T.
Other names: c.-227C>T (NM_001410912.1); short protein forms P171S.
Identifiers: ClinVar variation 3029342 (VCV003029342.2), dbSNP rs898544242, ClinGen allele CA316327378.

ClinVar aggregate classification (germline): Uncertain significance (0 of 4 stars; one submission).

Conditions:
GNAS-related disorder. Identifiers: MedGen CN380105.

Allele frequency attached by ClinVar (database versions not stated): TOPMed 0.00001; gnomAD exomes below 0.00001.
gnomAD v4.1: 2 of 1,608,196 alleles (0.00012%); highest among the groups gnomAD compares: African/African-American, 0.0013%; no homozygotes.

Submission:

PreventionGenetics, part of Exact Sciences
Classification: Uncertain significance for GNAS-related condition. Last evaluated: 2024-02-20. Review status: no assertion criteria provided. Collection method: clinical testing. Allele origin: germline.
Comment: The GNAS c.511C>T variant is predicted to result in the amino acid substitution p.Pro171Ser. In other transcripts of GNAS, such as NM_000516, this variant is found in a non-coding region of the gene and is known as c.-51110C>T. This variant is reported in 0.00090% of alleles in individuals of European (non-Finnish) descent in gnomAD. To our knowledge, this variant has not been reported in the literature. At this time, the clinical significance of this variant is uncertain due to the absence of conclusive functional and genetic evidence.